The following is an entry in ClinVar:

ClinVar aggregate classification (germline): Benign/Likely benign. Review status: criteria provided, multiple submitters, no conflicts (2 of 4 stars). 3 submissions from 3 submitters: Benign (1); Likely benign (2). Last evaluated 2025-10-26.

Conditions:
Familial adenomatous polyposis 1 (FAP1). Also called: FAMILIAL ADENOMATOUS POLYPOSIS 1, ATTENUATED; POLYPOSIS, ADENOMATOUS INTESTINAL. Identifiers: MedGen C2713442, MONDO:0021056, OMIM 175100. Disease mechanism: loss of function.
Hereditary cancer-predisposing syndrome. Also called: Neoplastic Syndromes, Hereditary; Hereditary neoplastic syndrome; Hereditary Cancer Syndrome; Tumor predisposition. Identifiers: Orphanet 140162, MedGen C0027672, MeSH D009386, MONDO:0015356.

gnomAD v4.1: 1 of 1,614,148 alleles (0.000062%); highest among the groups gnomAD compares: East Asian, 0.0022%; no homozygotes.

Submissions (3):

Ambry Genetics
Classification: Likely benign for Hereditary cancer-predisposing syndrome. Last evaluated: 2025-10-26. Review status: criteria provided, single submitter. Criteria: Ambry Variant Classification Scheme 2023. Collection method: clinical testing. Allele origin: germline.

Myriad Genetics, Inc.
Classification: Benign for Familial adenomatous polyposis 1. Last evaluated: 2024-03-07. Review status: criteria provided, single submitter. Criteria: Myriad Autosomal Dominant, Autosomal Recessive and X-Linked Classification Criteria (2023). Collection method: clinical testing. Allele origin: unknown.
Comment: This variant is considered benign. This variant is a silent/synonymous amino acid change and it is not expected to impact splicing.

GeneDx
Classification: Likely benign. Last evaluated: 2020-09-30. Review status: criteria provided, single submitter. Criteria: GeneDx Variant Classification Process June 2021. Collection method: clinical testing. Allele origin: germline. Affected: yes.

NM_000038.6(APC):c.1836A>G (p.Ala612=)

Gene: APC (APC regulator of Wnt signaling pathway; plus strand). Cytogenetic location: 5q22.2.
Variant type: single nucleotide variant.
Coding change: c.1836A>G on transcript NM_000038.6 (MANE Select); coding-DNA position 1836, A replaced by G.
Protein change: p.Ala612=; no amino-acid change (alanine 612 retained).
Molecular consequence: synonymous variant.
Genome position (GRCh38, 1-based): chr5:112,835,043, A>G. VCF-style: chr5-112835043-A-G. GRCh37 (hg19) VCF-style: chr5-112170740-A-G.
Other names: c.1836A>G, p.Ala612= (NM_001127510.3, NM_001354895.2); c.1782A>G, p.Ala594= (NM_001127511.3); c.1890A>G, p.Ala630= (NM_001354896.2); c.1866A>G, p.Ala622= (NM_001354897.2); c.1761A>G, p.Ala587= (NM_001354898.2); c.1752A>G, p.Ala584= (NM_001354899.2); c.1713A>G, p.Ala571= (NM_001354900.2); c.1659A>G, p.Ala553= (NM_001354901.2); and 5 more.
Identifiers: ClinVar variation 1198211 (VCV001198211.4), dbSNP rs2149842372, ClinGen allele CA445758868.